The following is an entry in ClinVar:

NM_006996.3(SLC19A2):c.1213A>G (p.Thr405Ala)

Gene: SLC19A2 (solute carrier family 19 member 2; minus strand). Cytogenetic location: 1q24.2.
Variant type: single nucleotide variant.
Coding change: c.1213A>G on transcript NM_006996.3 (MANE Select); coding-DNA position 1213, A replaced by G.
Protein change: p.Thr405Ala; replaces threonine 405 with alanine.
Molecular consequence: missense variant.
Genome position (GRCh38, 1-based): chr1:169,468,654, T>C on the plus strand (A>G on the coding strand, the complement: SLC19A2 is on the minus strand). VCF-style: chr1-169468654-T-C. GRCh37 (hg19) VCF-style: chr1-169437892-T-C.
Other names: c.610A>G, p.Thr204Ala (NM_001319667.1); short protein forms T204A, T405A.
Identifiers: ClinVar variation 1483755 (VCV001483755.3), dbSNP rs576208768, ClinGen allele CA1232899.
Genomic context (GRCh38, chr1:169,468,654, plus strand): 5'-TTTATCCTGTTACAATTTTTCCTAAGGCTTCTATGAGCCAAAATACATACGTTGCTATCG[T>C]GATGAGTAACATGTAGATGATTCTGAAGACAACATAGGATGCATAGCACACCCAAATGTT-3'
Protein context (NP_008927.1, residues 395-415): VFRIIYMLLI[Thr405Ala]IATFQIAANL

ClinVar aggregate classification (germline): Uncertain significance (1 of 4 stars; one submission).

Allele frequency attached by ClinVar (database versions not stated): gnomAD 0.00004 and 0.00005; gnomAD exomes 0.00004 and 0.00011; ExAC 0.00008; TOPMed 0.00009; 1000 Genomes Project 30x 0.00031; 1000 Genomes Project 0.00040.
gnomAD v4.1: 73 of 1,613,694 alleles (0.0045%); highest among the groups gnomAD compares: East Asian, 0.15%; no homozygotes.

Submission:

Labcorp Genetics (formerly Invitae), Labcorp
Classification: Uncertain significance. Last evaluated: 2021-12-02. Review status: criteria provided, single submitter. Criteria: Invitae Variant Classification Sherloc (09022015). Collection method: clinical testing. Allele origin: germline.
Comment: This sequence change replaces threonine, which is neutral and polar, with alanine, which is neutral and non-polar, at codon 405 of the SLC19A2 protein (p.Thr405Ala). This variant is present in population databases (rs576208768, gnomAD 0.1%). This missense change has been observed in individual(s) with clinical features of SLC19A2-related conditions (PMID: 26839896, 27185633). Advanced modeling of protein sequence and biophysical properties (such as structural, functional, and spatial information, amino acid conservation, physicochemical variation, residue mobility, and thermodynamic stability) performed at Invitae indicates that this missense variant is expected to disrupt SLC19A2 protein function. In summary, the available evidence is currently insufficient to determine the role of this variant in disease. Therefore, it has been classified as a Variant of Uncertain Significance.

Literature cited by the submitters: PubMed 26839896; PubMed 27185633.